The following is an entry in ClinVar:

ClinVar aggregate classification (germline): Uncertain significance (1 of 4 stars; one submission).

Conditions:
Hereditary cancer-predisposing syndrome. Also called: Hereditary Cancer Syndrome; Hereditary neoplastic syndrome; Neoplastic Syndromes, Hereditary; Tumor predisposition. Identifiers: Orphanet 140162, MedGen C0027672, MeSH D009386, MONDO:0015356.

Submission:

Ambry Genetics
Classification: Uncertain significance for Hereditary cancer-predisposing syndrome. Last evaluated: 2025-06-12. Review status: criteria provided, single submitter. Criteria: Ambry Variant Classification Scheme 2023. Collection method: clinical testing. Allele origin: germline.
Comment: The p.K875N variant (also known as c.2625G>T), located in coding exon 15 of the APC gene, results from a G to T substitution at nucleotide position 2625. The lysine at codon 875 is replaced by asparagine, an amino acid with similar properties. This amino acid position is highly conserved in available vertebrate species. In addition, in silico predictors for this gene do not accurately predict pathogenicity. Missense alterations in APC are not a common cause of disease (Spier I et al. Genet Med. 2024 Feb;26(2):100992). Based on the available evidence, the clinical significance of this variant remains unclear.

NM_000038.6(APC):c.2625G>T (p.Lys875Asn)

Gene: APC (APC regulator of Wnt signaling pathway; plus strand). Cytogenetic location: 5q22.2.
Variant type: single nucleotide variant.
Coding change: c.2625G>T on transcript NM_000038.6 (MANE Select); coding-DNA position 2625, G replaced by T.
Protein change: p.Lys875Asn; replaces lysine 875 with asparagine.
Molecular consequence: missense variant. On other transcripts: non-coding transcript variant (2).
Genome position (GRCh38, 1-based): chr5:112,838,219, G>T. VCF-style: chr5-112838219-G-T. GRCh37 (hg19) VCF-style: chr5-112173916-G-T.
Other names: c.2448G>T, p.Lys816Asn (NM_001407453.1, NM_001354901.2); c.2376G>T, p.Lys792Asn (NM_001407454.1, NM_001407455.1, NM_001407456.1 and 1 more transcripts); c.2625G>T, p.Lys875Asn (NM_001127510.3, NM_001354895.2, NM_001407450.1); c.2571G>T, p.Lys857Asn (NM_001127511.3); c.2679G>T, p.Lys893Asn (NM_001354896.2, NM_001407447.1, NM_001407448.1 and 1 more transcripts); c.2655G>T, p.Lys885Asn (NM_001354897.2); c.2550G>T, p.Lys850Asn (NM_001354898.2); c.2541G>T, p.Lys847Asn (NM_001354899.2); and 11 more; short protein forms K491N, K715N, K857N, K592N, K774N, K816N, K834N, K885N.
Identifiers: ClinVar variation 3929723 (VCV003929723.1).